The following is an entry in ClinVar:

NM_002242.4(KCNJ13):c.930A>G (p.Glu310=)

Genes: GIGYF2 (GRB10 interacting GYF protein 2; plus strand), KCNJ13 (potassium inwardly rectifying channel subfamily J member 13; minus strand). Cytogenetic location: 2q37.1.
Variant type: single nucleotide variant.
Coding change: c.930A>G on transcript NM_002242.4 (MANE Select); coding-DNA position 930, A replaced by G.
Protein change: p.Glu310=; no amino-acid change (glutamic acid 310 retained).
Molecular consequence: synonymous variant. On other transcripts: 3 prime UTR variant (1), intron variant (4).
Genome position (GRCh38, 1-based): chr2:232,768,344, T>C on the plus strand (A>G on the coding strand, the complement: KCNJ13 is on the minus strand). VCF-style: chr2-232768344-T-C. GRCh37 (hg19) VCF-style: chr2-233633054-T-C.
Other names: c.*409A>G (NM_001172416.1); c.690A>G, p.Glu230= (NM_001172417.1); c.532+6908T>C (NM_001103146.3, NM_015575.4, NM_001103147.2 and 1 more transcripts).
Identifiers: ClinVar variation 809186 (VCV000809186.43), dbSNP rs377736321, ClinGen allele CA2169966.

ClinVar aggregate classification (germline): Conflicting classifications of pathogenicity. Review status: criteria provided, conflicting classifications (1 of 4 stars). 2 submissions from 2 submitters: Uncertain significance (1); Likely benign (1). Last evaluated 2025-10-18.

Allele frequency attached by ClinVar (database versions not stated): gnomAD exomes 0.00001 and 0.00003; TOPMed 0.00002; gnomAD 0.00003; ExAC 0.00005; ESP Exome Variant Server 0.00008.
gnomAD v4.1: 25 of 1,614,062 alleles (0.0015%); highest among the groups gnomAD compares: East Asian, 0.0067%; no homozygotes.

Submissions (2):

Labcorp Genetics (formerly Invitae), Labcorp
Classification: Uncertain significance. Last evaluated: 2025-10-18. Review status: criteria provided, single submitter. Criteria: Invitae Variant Classification Sherloc (09022015). Collection method: clinical testing. Allele origin: germline.
Comment: This sequence change affects codon 310 of the KCNJ13 mRNA. It is a 'silent' change, meaning that it does not change the encoded amino acid sequence of the KCNJ13 protein. This variant is present in population databases (rs377736321, gnomAD 0.02%). This variant has not been reported in the literature in individuals affected with KCNJ13-related conditions. ClinVar contains an entry for this variant (Variation ID: 809186). Algorithms developed to predict the effect of sequence changes on RNA splicing suggest that this variant may create or strengthen a splice site. In summary, the available evidence is currently insufficient to determine the role of this variant in disease. Therefore, it has been classified as a Variant of Uncertain Significance.

CeGaT Center for Human Genetics Tuebingen
Classification: Likely benign. Last evaluated: 2018-05-01. Review status: criteria provided, single submitter. Criteria: CeGaT Center For Human Genetics Tuebingen Variant Classification Criteria Version 2. Collection method: clinical testing. Allele origin: germline. Affected: yes. Observed: 1 variant allele.